The following is an entry in ClinVar:

ClinVar aggregate classification (germline): Benign (0 of 4 stars; one submission).

Conditions:
SHANK2-related disorder.

Allele frequency attached by ClinVar (database versions not stated): gnomAD 0.00668; 1000 Genomes Project 30x 0.00843; gnomAD exomes 0.00060; ExAC 0.00287; TOPMed 0.00767; 1000 Genomes Project 0.00759; ESP Exome Variant Server 0.00854.
gnomAD v4.1: 1,879 of 1,547,256 alleles (0.12%); highest among the groups gnomAD compares: African/African-American, 2.3%; 17 homozygotes.

Submission:

PreventionGenetics, part of Exact Sciences
Classification: Benign for SHANK2-related condition. Last evaluated: 2021-06-25. Review status: no assertion criteria provided. Collection method: clinical testing. Allele origin: germline.
Comment: This variant is classified as benign based on ACMG/AMP sequence variant interpretation guidelines (Richards et al. 2015 PMID: 25741868, with internal and published modifications).

NM_012309.5(SHANK2):c.5C>T (p.Pro2Leu)

Gene: SHANK2 (SH3 and multiple ankyrin repeat domains 2; minus strand). Cytogenetic location: 11q13.4.
Variant type: single nucleotide variant.
Coding change: c.5C>T on transcript NM_012309.5 (MANE Select); coding-DNA position 5, C replaced by T.
Protein change: p.Pro2Leu; replaces proline 2 with leucine.
Molecular consequence: missense variant.
Genome position (GRCh38, 1-based): chr11:71,147,322, G>A on the plus strand (C>T on the coding strand, the complement: SHANK2 is on the minus strand). VCF-style: chr11-71147322-G-A. GRCh37 (hg19) VCF-style: chr11-70858368-G-A.
Other names: short protein forms P2L.
Identifiers: ClinVar variation 3057016 (VCV003057016.2), dbSNP rs115978536, ClinGen allele CA6162194.